The following is an entry in ClinVar:

ClinVar aggregate classification (germline): Uncertain significance (1 of 4 stars; one submission).

Conditions:
Retinoblastoma (RB1). Also called: RETINOBLASTOMA, SOMATIC. Identifiers: Orphanet 790, MedGen C0035335, MeSH D012175, MONDO:0008380, OMIM 180200, HP:0009919. Disease mechanism: loss of function. Inheritance: Both sporadic and heritable forms are tested..

Submission:

All of Us Research Program, National Institutes of Health
Classification: Uncertain significance for Retinoblastoma. Last evaluated: 2024-03-24. Review status: criteria provided, single submitter. Criteria: ACMG Guidelines, 2015. Collection method: clinical testing. Allele origin: germline. Inheritance: Autosomal dominant inheritance. Observed: 1 variant allele, 1 heterozygote.
Comment: This variant causes an A to G nucleotide substitution at the +3 position of intron 3/26 of the RB1 gene. To our knowledge, RNA studies have not been reported for this variant. This variant has not been reported in individuals affected with RB1-related disorders in the literature. This variant has not been identified in the general population by the Genome Aggregation Database (gnomAD). The available evidence is insufficient to determine the role of this variant in disease conclusively. Therefore, this variant is classified as a Variant of Uncertain Significance.

This study involves interpretation of variants in research participants for the purpose of population health screening. Participant phenotype was not available at the time of variant classification. Additional details can be found in publication PMID: 35346344, PMCID: PMC8962531

NM_000321.3(RB1):c.380+3A>G

Gene: RB1 (RB transcriptional corepressor 1; plus strand). Cytogenetic location: 13q14.2.
Variant type: single nucleotide variant.
Coding change: c.380+3A>G on transcript NM_000321.3 (MANE Select); 3 bases into the intron after coding-DNA position 380, A replaced by G.
Molecular consequence: intron variant.
Genome position (GRCh38, 1-based): chr13:48,342,717, A>G. VCF-style: chr13-48342717-A-G. GRCh37 (hg19) VCF-style: chr13-48916853-A-G.
Other names: c.380+3A>G (NM_001407165.1, NM_001407166.1).
Identifiers: ClinVar variation 3387556 (VCV003387556.1).
Genomic context (GRCh38, chr13:48,342,717, plus strand): 5'-TTGACCTAGATGAGATGTCGTTCACTTTTACTGAGCTACAGAAAAACATAGAAATCAGGT[A>G]AAGTTTCTTGTATAAATATAAGCCTCTGCCATAAAAGGAAACGAATTCTGGATTTTCCTC-3'